The following is an entry in ClinVar:

NM_007186.6(CEP250):c.6169C>T (p.Arg2057Trp)

Gene: CEP250 (centrosomal protein 250; plus strand). Cytogenetic location: 20q11.22.
Variant type: single nucleotide variant.
Coding change: c.6169C>T on transcript NM_007186.6 (MANE Select); coding-DNA position 6169, C replaced by T.
Protein change: p.Arg2057Trp; replaces arginine 2057 with tryptophan.
Molecular consequence: missense variant.
Genome position (GRCh38, 1-based): chr20:35,504,538, C>T. VCF-style: chr20-35504538-C-T. GRCh37 (hg19) VCF-style: chr20-34092366-C-T.
Other names: c.6169C>T (NM_007186.3); c.4273C>T, p.Arg1425Trp (NM_001318219.1); short protein forms R1425W, R2057W.
Identifiers: ClinVar variation 1011575 (VCV001011575.9), dbSNP rs149277986, ClinGen allele CA9834016.

ClinVar aggregate classification (germline): Uncertain significance. Review status: criteria provided, multiple submitters, no conflicts (2 of 4 stars). 4 submissions from 4 submitters: Uncertain significance (4). Last evaluated 2025-01-15.

Allele frequency attached by ClinVar (database versions not stated): ESP Exome Variant Server 0.00023; TOPMed 0.00004; ExAC 0.00005; gnomAD exomes 0.00003; gnomAD 0.00005.
gnomAD v4.1: 59 of 1,613,914 alleles (0.0037%); highest among the groups gnomAD compares: East Asian, 0.0045%; no homozygotes.

Submissions (4):

Labcorp Genetics (formerly Invitae), Labcorp
Classification: Uncertain significance. Last evaluated: 2025-01-15. Review status: criteria provided, single submitter. Criteria: Invitae Variant Classification Sherloc (09022015). Collection method: clinical testing. Allele origin: germline.
Comment: This sequence change replaces arginine, which is basic and polar, with tryptophan, which is neutral and slightly polar, at codon 2057 of the CEP250 protein (p.Arg2057Trp). This variant is present in population databases (rs149277986, gnomAD 0.01%). This variant has not been reported in the literature in individuals affected with CEP250-related conditions. ClinVar contains an entry for this variant (Variation ID: 1011575). An algorithm developed to predict the effect of missense changes on protein structure and function (PolyPhen-2) suggests that this variant is likely to be disruptive. In summary, the available evidence is currently insufficient to determine the role of this variant in disease. Therefore, it has been classified as a Variant of Uncertain Significance.

Blueprint Genetics
Classification: Uncertain significance. Last evaluated: 2023-08-04. Review status: criteria provided, single submitter. Criteria: ACMG Guidelines, 2015. Collection method: clinical testing. Allele origin: germline.

Ambry Genetics
Classification: Uncertain significance. Last evaluated: 2023-02-14. Review status: criteria provided, single submitter. Criteria: Ambry Variant Classification Scheme 2023. Collection method: clinical testing. Allele origin: germline.

Breakthrough Genomics
Classification: Uncertain significance. Review status: criteria provided, single submitter. Criteria: ACMG Guidelines, 2015. Collection method: not provided. Allele origin: germline. Inheritance: Autosomal dominant inheritance. Affected: yes.